The following is an entry in ClinVar:

ClinVar aggregate classification (germline): Uncertain significance (1 of 4 stars; one submission).

gnomAD v4.1: 1 of 1,612,796 alleles (0.000062%); highest among the groups gnomAD compares: East Asian, 0.0022%; no homozygotes.

Submission:

Labcorp Genetics (formerly Invitae), Labcorp
Classification: Uncertain significance. Last evaluated: 2025-10-02. Review status: criteria provided, single submitter. Criteria: Invitae Variant Classification Sherloc (09022015). Collection method: clinical testing. Allele origin: germline.
Comment: This sequence change replaces glutamic acid, which is acidic and polar, with glycine, which is neutral and non-polar, at codon 425 of the TBCD protein (p.Glu425Gly). This variant is not present in population databases (gnomAD no frequency). This variant has not been reported in the literature in individuals affected with TBCD-related conditions. ClinVar contains an entry for this variant (Variation ID: 3673210). Invitae Evidence Modeling of protein sequence and biophysical properties (such as structural, functional, and spatial information, amino acid conservation, physicochemical variation, residue mobility, and thermodynamic stability) indicates that this missense variant is expected to disrupt TBCD protein function with a positive predictive value of 95%. Algorithms developed to predict the effect of sequence changes on RNA splicing suggest that this variant may disrupt the consensus splice site. In summary, the available evidence is currently insufficient to determine the role of this variant in disease. Therefore, it has been classified as a Variant of Uncertain Significance.

NM_005993.5(TBCD):c.1274A>G (p.Glu425Gly)

Gene: TBCD (tubulin folding cofactor D). Cytogenetic location: 17q25.3.
Variant type: single nucleotide variant.
Coding change: c.1274A>G on transcript NM_005993.5 (MANE Select); coding-DNA position 1274, A replaced by G.
Protein change: p.Glu425Gly; replaces glutamic acid 425 with glycine.
Molecular consequence: missense variant.
Genome position (GRCh38, 1-based): chr17:82,814,890, A>G. VCF-style: chr17-82814890-A-G. GRCh37 (hg19) VCF-style: chr17-80772766-A-G.
Other names: c.1223A>G, p.Glu408Gly (NM_001411101.1); c.1274A>G, p.Glu425Gly (NM_001411102.1); short protein forms E425G, E408G.
Identifiers: ClinVar variation 3673210 (VCV003673210.2).